The following is an entry in ClinVar:

NM_001035.3(RYR2):c.9055A>C (p.Ile3019Leu)

Gene: RYR2 (ryanodine receptor 2; plus strand). Cytogenetic location: 1q43.
Variant type: single nucleotide variant.
Coding change: c.9055A>C on transcript NM_001035.3 (MANE Select); coding-DNA position 9055, A replaced by C.
Protein change: p.Ile3019Leu; replaces isoleucine 3019 with leucine.
Molecular consequence: missense variant.
Genome position (GRCh38, 1-based): chr1:237,687,492, A>C. VCF-style: chr1-237687492-A-C. GRCh37 (hg19) VCF-style: chr1-237850792-A-C.
Other names: c.9055A>C (NM_001035.2); short protein forms I3019L.
Identifiers: ClinVar variation 927223 (VCV000927223.6), dbSNP rs1686532487, ClinGen allele CA345405902.

ClinVar aggregate classification (germline): Uncertain significance. Review status: criteria provided, multiple submitters, no conflicts (2 of 4 stars). 2 submissions from 2 submitters: Uncertain significance (2). Last evaluated 2024-03-06.

Conditions:
Cardiovascular phenotype. Identifiers: MedGen CN230736.
Cardiomyopathy (CMYO). Also called: Cardiomyopathies. Identifiers: Orphanet 167848, MedGen C0878544, MONDO:0004994, HP:0001638. Inheritance: Various modes of inheritance.

gnomAD v4.1: 1 of 1,603,108 alleles (0.000062%); no homozygotes.

Submissions (2):

Color Diagnostics, LLC DBA Color Health
Classification: Uncertain significance for Cardiomyopathy. Last evaluated: 2024-03-06. Review status: criteria provided, single submitter. Criteria: ACMG Guidelines, 2015. Collection method: clinical testing. Allele origin: germline.
Comment: This missense variant replaces isoleucine with leucine at codon 3019 of the RYR2 protein. Computational prediction tools and conservation analyses suggest that this variant may not impact protein structure and function (internally defined REVEL score threshold <= 0.5, PMID: 27666373). Splice site prediction tools suggest that this variant may not impact RNA splicing. To our knowledge, functional studies have not been performed for this variant. This variant has not been reported in individuals affected with cardiovascular disorders in the literature. This variant has not been identified in the general population by the Genome Aggregation Database (gnomAD). The available evidence is insufficient to determine the role of this variant in disease conclusively. Therefore, this variant is classified as a Variant of Uncertain Significance.

Ambry Genetics
Classification: Uncertain significance for Cardiovascular phenotype. Last evaluated: 2020-02-18. Review status: criteria provided, single submitter. Criteria: Ambry Variant Classification Scheme 2023. Collection method: clinical testing. Allele origin: germline.
Comment: The p.I3019L variant (also known as c.9055A>C), located in coding exon 63 of the RYR2 gene, results from an A to C substitution at nucleotide position 9055. The isoleucine at codon 3019 is replaced by leucine, an amino acid with highly similar properties. This amino acid position is highly conserved in available vertebrate species. In addition, this alteration is predicted to be tolerated by in silico analysis. Since supporting evidence is limited at this time, the clinical significance of this alteration remains unclear.